The following is an entry in ClinVar:

ClinVar aggregate classification (germline): Uncertain significance. Review status: criteria provided, multiple submitters, no conflicts (2 of 4 stars). 2 submissions from 2 submitters: Uncertain significance (2). Last evaluated 2025-06-15.

Conditions:
Autosomal recessive severe congenital neutropenia due to CSF3R deficiency. Also called: Neutropenia, severe congenital, 7, autosomal recessive. Identifiers: Orphanet 420702, MedGen C4310764, MONDO:0014865, OMIM 617014.
Inborn genetic diseases. Identifiers: MedGen C0950123, MeSH D030342.

Submissions (2):

Labcorp Genetics (formerly Invitae), Labcorp
Classification: Uncertain significance for Autosomal recessive severe congenital neutropenia due to CSF3R deficiency. Last evaluated: 2025-06-15. Review status: criteria provided, single submitter. Criteria: Invitae Variant Classification Sherloc (09022015). Collection method: clinical testing. Allele origin: germline.
Comment: This sequence change replaces glycine, which is neutral and non-polar, with arginine, which is basic and polar, at codon 765 of the CSF3R protein (p.Gly765Arg). This variant is not present in population databases (gnomAD no frequency). This variant has not been reported in the literature in individuals affected with CSF3R-related conditions. ClinVar contains an entry for this variant (Variation ID: 1379133). An algorithm developed to predict the effect of missense changes on protein structure and function (PolyPhen-2) suggests that this variant is likely to be tolerated. In summary, the available evidence is currently insufficient to determine the role of this variant in disease. Therefore, it has been classified as a Variant of Uncertain Significance.

Ambry Genetics
Classification: Uncertain significance for Inborn genetic diseases. Last evaluated: 2021-08-28. Review status: criteria provided, single submitter. Criteria: Ambry Variant Classification Scheme 2023. Collection method: clinical testing. Allele origin: germline.

NM_000760.4(CSF3R):c.2293G>A (p.Gly765Arg)

Gene: CSF3R (colony stimulating factor 3 receptor; minus strand). Cytogenetic location: 1p34.3.
Variant type: single nucleotide variant.
Coding change: c.2293G>A on transcript NM_000760.4 (MANE Select); coding-DNA position 2293, G replaced by A.
Protein change: p.Gly765Arg; replaces glycine 765 with arginine.
Molecular consequence: missense variant. On other transcripts: intron variant (1).
Genome position (GRCh38, 1-based): chr1:36,466,575, C>T on the plus strand (G>A on the coding strand, the complement: CSF3R is on the minus strand). VCF-style: chr1-36466575-C-T. GRCh37 (hg19) VCF-style: chr1-36932176-C-T.
Other names: c.2247+46G>A (NM_172313.3); c.2374G>A, p.Gly792Arg (NM_156039.3); c.2293G>A (NM_000760.3); short protein forms G765R, G792R.
Identifiers: ClinVar variation 1379133 (VCV001379133.7), dbSNP rs2124096083, ClinGen allele CA339413348.